The following is an entry in ClinVar:

ClinVar aggregate classification (germline): Uncertain significance. Review status: criteria provided, multiple submitters, no conflicts (2 of 4 stars). 2 submissions from 2 submitters: Uncertain significance (2). Last evaluated 2025-08-29.

Conditions:
Epileptic encephalopathy. Identifiers: MedGen C0543888, HP:0200134.

Allele frequency attached by ClinVar (database versions not stated): gnomAD 0.00001; gnomAD exomes 0.00001 and 0.00002; ExAC 0.00002; TOPMed 0.00002.
gnomAD v4.1: 22 of 1,613,562 alleles (0.0014%); highest among the groups gnomAD compares: East Asian, 0.0045%; no homozygotes.

Submissions (2):

Ambry Genetics
Classification: Uncertain significance. Last evaluated: 2025-08-29. Review status: criteria provided, single submitter. Criteria: Ambry Variant Classification Scheme 2023. Collection method: clinical testing. Allele origin: germline.

Labcorp Genetics (formerly Invitae), Labcorp
Classification: Uncertain significance for Epileptic encephalopathy. Last evaluated: 2022-02-04. Review status: criteria provided, single submitter. Criteria: Invitae Variant Classification Sherloc (09022015). Collection method: clinical testing. Allele origin: germline.
Comment: ClinVar contains an entry for this variant (Variation ID: 946566). In summary, the available evidence is currently insufficient to determine the role of this variant in disease. Therefore, it has been classified as a Variant of Uncertain Significance. Algorithms developed to predict the effect of missense changes on protein structure and function are either unavailable or do not agree on the potential impact of this missense change (SIFT: "Deleterious"; PolyPhen-2: "Benign"; Align-GVGD: "Class C35"). This variant has not been reported in the literature in individuals affected with RYR3-related conditions. This variant is present in population databases (rs752181610, gnomAD 0.006%). This sequence change replaces arginine, which is basic and polar, with glutamine, which is neutral and polar, at codon 634 of the RYR3 protein (p.Arg634Gln).

NM_001036.6(RYR3):c.1901G>A (p.Arg634Gln)

Gene: RYR3 (ryanodine receptor 3; plus strand). Cytogenetic location: 15q14.
Variant type: single nucleotide variant.
Coding change: c.1901G>A on transcript NM_001036.6 (MANE Select); coding-DNA position 1901, G replaced by A.
Protein change: p.Arg634Gln; replaces arginine 634 with glutamine.
Molecular consequence: missense variant.
Genome position (GRCh38, 1-based): chr15:33,601,531, G>A. VCF-style: chr15-33601531-G-A. GRCh37 (hg19) VCF-style: chr15-33893732-G-A.
Other names: c.1901G>A (NM_001036.3); c.1901G>A, p.Arg634Gln (NM_001243996.4); short protein forms R634Q.
Identifiers: ClinVar variation 946566 (VCV000946566.10), dbSNP rs752181610, ClinGen allele CA7458271.